The following is an entry in ClinVar:

ClinVar aggregate classification (germline): Uncertain significance (1 of 4 stars; one submission).

Conditions:
Autosomal recessive distal spinal muscular atrophy 2. Also called: NEURONOPATHY, DISTAL HEREDITARY MOTOR, JERASH TYPE; NEUROPATHY, DISTAL HEREDITARY MOTOR, JERASH TYPE; SPINAL MUSCULAR ATROPHY, JERASH TYPE; Hereditary motor neuropathy, Jerash type; Motor neuropathy, distal, Jerash type; NEUROPATHY, DISTAL HEREDITARY MOTOR, AUTOSOMAL RECESSIVE 2. Identifiers: Orphanet 139552, MedGen C1854023, MONDO:0011585, OMIM 605726.
Amyotrophic lateral sclerosis type 16. Also called: AMYOTROPHIC LATERAL SCLEROSIS 16, JUVENILE. Identifiers: Orphanet 300605, MedGen C3280587, MONDO:0013715, OMIM 614373.

Submission:

Labcorp Genetics (formerly Invitae), Labcorp
Classification: Uncertain significance for Autosomal recessive distal spinal muscular atrophy 2; Amyotrophic lateral sclerosis type 16. Last evaluated: 2025-06-24. Review status: criteria provided, single submitter. Criteria: Invitae Variant Classification Sherloc (09022015). Collection method: clinical testing. Allele origin: germline.
Comment: This sequence change replaces proline, which is neutral and non-polar, with alanine, which is neutral and non-polar, at codon 223 of the SIGMAR1 protein (p.Pro223Ala). This variant is not present in population databases (gnomAD no frequency). This variant has not been reported in the literature in individuals affected with SIGMAR1-related conditions. An algorithm developed to predict the effect of missense changes on protein structure and function outputs the following: PolyPhen-2: "Possibly Damaging". The alanine amino acid residue is found in multiple mammalian species, which suggests that this missense change does not adversely affect protein function. In summary, the available evidence is currently insufficient to determine the role of this variant in disease. Therefore, it has been classified as a Variant of Uncertain Significance.

NM_005866.4(SIGMAR1):c.667C>G (p.Pro223Ala)

Gene: SIGMAR1 (sigma receptor chaperone 1; minus strand). Cytogenetic location: 9p13.3.
Variant type: single nucleotide variant.
Coding change: c.667C>G on transcript NM_005866.4 (MANE Select); coding-DNA position 667, C replaced by G.
Protein change: p.Pro223Ala; replaces proline 223 with alanine.
Molecular consequence: missense variant. On other transcripts: 3 prime UTR variant (2), non-coding transcript variant (1).
Genome position (GRCh38, 1-based): chr9:34,635,637, G>C on the plus strand (C>G on the coding strand, the complement: SIGMAR1 is on the minus strand). VCF-style: chr9-34635637-G-C. GRCh37 (hg19) VCF-style: chr9-34635634-G-C.
Other names: c.449C>G, p.Pro150Arg (NM_001282205.2); c.367C>G, p.Pro123Ala (NM_001282206.2); c.607C>G, p.Pro203Ala (NM_001282207.2); c.*210C>G (NM_001282208.2); c.*194C>G (NM_001282209.2); c.574C>G, p.Pro192Ala (NM_147157.3); short protein forms P123A, P192A, P150R, P203A, P223A.
Identifiers: ClinVar variation 4792061 (VCV004792061.1).